The following is an entry in ClinVar:

NM_006922.4(SCN3A):c.3107_3112del (p.Val1036_Ile1037del)

Gene: SCN3A (sodium voltage-gated channel alpha subunit 3; minus strand). Cytogenetic location: 2q24.3.
Variant type: Deletion.
Coding change: c.3107_3112del on transcript NM_006922.4 (MANE Select); coding-DNA positions 3107 to 3112, 6 bases deleted (TTATAG; older notation c.3107_3112delTTATAG).
Protein change: p.Val1036_Ile1037del.
Molecular consequence: inframe deletion.
Genome position (GRCh38, 1-based): chr2:165,127,912-165,127,917, CTATAA deleted on the plus strand (TTATAG on the coding strand, the reverse complement: SCN3A is on the minus strand); deleting any 6 consecutive bases within chr2:165,127,912-165,127,919 gives the same sequence; the c. name uses the placement nearest the transcript's 3' end. VCF-style (leftmost placement, unchanged base first): chr2-165127911-TCTATAA-T. GRCh37 (hg19) VCF-style: chr2-165984421-TCTATAA-T.
Other names: c.2960_2965del, p.Val987_Ile988del (NM_001081676.2, NM_001081677.2).
Identifiers: ClinVar variation 1704901 (VCV001704901.4), dbSNP rs1374445188, ClinGen allele CA537507823.

ClinVar aggregate classification (germline): Uncertain significance (1 of 4 stars; one submission).

Submission:

GeneDx
Classification: Uncertain significance. Last evaluated: 2025-10-10. Review status: criteria provided, single submitter. Criteria: GeneDx Variant Classification Process June 2021. Collection method: clinical testing. Allele origin: germline. Affected: yes.
Comment: Not observed at significant frequency in large population cohorts (gnomAD); In-frame deletion of 2 amino acids in a non-repeat region; In silico analysis suggests that this variant does not alter protein structure/function; Has not been previously published as pathogenic or benign to our knowledge